The following is an entry in ClinVar:

ClinVar aggregate classification (germline): Pathogenic (1 of 4 stars; one submission).

Submission:

Labcorp Genetics (formerly Invitae), Labcorp
Classification: Pathogenic. Last evaluated: 2023-07-29. Review status: criteria provided, single submitter. Criteria: Invitae Variant Classification Sherloc (09022015). Collection method: clinical testing. Allele origin: unknown.
Comment: For these reasons, this variant has been classified as Pathogenic. This variant disrupts a region of the ERCC8 protein in which other variant(s) (p.Gly257Arg) have been determined to be pathogenic (PMID: 30182135, 30871974). This suggests that this is a clinically significant region of the protein, and that variants that disrupt it are likely to be disease-causing. This variant has not been reported in the literature in individuals affected with ERCC8-related conditions. This variant is a gross deletion of the genomic region encompassing exon(s) 2-11 of the ERCC8 gene. While this deletion is not anticipated to lead to nonsense mediated decay, it is expected to disrupt the C-terminus of the protein.

Literature cited by the submitters: PubMed 30182135; PubMed 30871974.

NC_000005.9:g.(?_60183247)_(60224806_?)del

Gene: ERCC8 (ERCC excision repair 8, CSA ubiquitin ligase complex subunit; minus strand). Cytogenetic location: 5q12.1.
Variant type: Deletion.
Identifiers: ClinVar variation 3246435 (VCV003246435.1).